The following is an entry in ClinVar:

ClinVar aggregate classification (germline): Uncertain significance (1 of 4 stars; one submission).

Allele frequency attached by ClinVar (database versions not stated): gnomAD exomes below 0.00001 and 0.00001; ExAC 0.00001; gnomAD 0.00001.
gnomAD v4.1: 9 of 1,614,012 alleles (0.00056%); highest among the groups gnomAD compares: South Asian, 0.0099%; no homozygotes.

Submission:

Labcorp Genetics (formerly Invitae), Labcorp
Classification: Uncertain significance. Last evaluated: 2022-03-09. Review status: criteria provided, single submitter. Criteria: Invitae Variant Classification Sherloc (09022015). Collection method: clinical testing. Allele origin: germline.
Comment: In summary, the available evidence is currently insufficient to determine the role of this variant in disease. Therefore, it has been classified as a Variant of Uncertain Significance. Algorithms developed to predict the effect of missense changes on protein structure and function are either unavailable or do not agree on the potential impact of this missense change (SIFT: "Deleterious"; PolyPhen-2: "Possibly Damaging"; Align-GVGD: "Class C0"). This variant has not been reported in the literature in individuals affected with HMCN1-related conditions. This variant is present in population databases (rs777989791, gnomAD 0.003%). This sequence change replaces alanine, which is neutral and non-polar, with threonine, which is neutral and polar, at codon 3788 of the HMCN1 protein (p.Ala3788Thr).

NM_031935.3(HMCN1):c.11362G>A (p.Ala3788Thr)

Gene: HMCN1 (hemicentin 1; plus strand). Cytogenetic location: 1q31.1.
Variant type: single nucleotide variant.
Coding change: c.11362G>A on transcript NM_031935.3 (MANE Select); coding-DNA position 11362, G replaced by A.
Protein change: p.Ala3788Thr; replaces alanine 3788 with threonine.
Molecular consequence: missense variant.
Genome position (GRCh38, 1-based): chr1:186,114,904, G>A. VCF-style: chr1-186114904-G-A. GRCh37 (hg19) VCF-style: chr1-186084036-G-A.
Other names: short protein forms A3788T.
Identifiers: ClinVar variation 1491590 (VCV001491590.6), dbSNP rs777989791, ClinGen allele CA1294014.